The following is an entry in ClinVar:

NM_001171.6(ABCC6):c.2820T>G (p.Arg940=)

Gene: ABCC6 (ATP binding cassette subfamily C member 6; minus strand). Cytogenetic location: 16p13.11.
Variant type: single nucleotide variant.
Coding change: c.2820T>G on transcript NM_001171.6 (MANE Select); coding-DNA position 2820, T replaced by G.
Protein change: p.Arg940=; no amino-acid change (arginine 940 retained).
Molecular consequence: synonymous variant. On other transcripts: non-coding transcript variant (1).
Genome position (GRCh38, 1-based): chr16:16,169,821, A>C on the plus strand (T>G on the coding strand, the complement: ABCC6 is on the minus strand). VCF-style: chr16-16169821-A-C. GRCh37 (hg19) VCF-style: chr16-16263678-A-C.
Other names: c.2478T>G, p.Arg826= (NM_001351800.1).
Identifiers: ClinVar variation 433289 (VCV000433289.14), dbSNP rs72664286, ClinGen allele CA7925774.

ClinVar aggregate classification (germline): Likely benign. Review status: criteria provided, multiple submitters, no conflicts (2 of 4 stars). 5 submissions from 5 submitters: Likely benign (3). 2 of the submissions do not count toward it. Last evaluated 2025-09-13.

Conditions:
ABCC6-related disorder. Also called: ABCC6-related condition.
Autosomal recessive inherited pseudoxanthoma elasticum (PXE). Identifiers: Orphanet 758, MedGen CN032334, MONDO:0009925, OMIM 264800.

Allele frequency attached by ClinVar (database versions not stated): gnomAD 0.00003; ExAC 0.00004; gnomAD exomes 0.00004 and 0.00009; TOPMed 0.00007.
gnomAD v4.1: 29 of 1,560,834 alleles (0.0019%); highest among the groups gnomAD compares: Admixed American, 0.054%; no homozygotes.

Submissions (5):

Labcorp Genetics (formerly Invitae), Labcorp
Classification: Likely benign. Last evaluated: 2025-09-13. Review status: criteria provided, single submitter. Criteria: Invitae Variant Classification Sherloc (09022015). Collection method: clinical testing. Allele origin: germline.

Blueprint Genetics
Classification: Likely benign. Last evaluated: 2022-11-06. Review status: criteria provided, single submitter. Criteria: ACMG Guidelines, 2015. Collection method: clinical testing. Allele origin: germline.

GeneDx
Classification: Likely benign. Last evaluated: 2017-10-23. Review status: criteria provided, single submitter. Criteria: GeneDx Variant Classification (06012015). Collection method: clinical testing. Allele origin: germline. Affected: yes.
Comment: This variant is considered likely benign or benign based on one or more of the following criteria: it is a conservative change, it occurs at a poorly conserved position in the protein, it is predicted to be benign by multiple in silico algorithms, and/or has population frequency not consistent with disease.

PreventionGenetics, part of Exact Sciences
Classification: Likely benign for ABCC6-related condition. Last evaluated: 2024-08-25. Review status: no assertion criteria provided. Collection method: clinical testing. Allele origin: germline. Not counted in ClinVar's aggregate classification.
Comment: This variant is classified as likely benign based on ACMG/AMP sequence variant interpretation guidelines (Richards et al. 2015 PMID: 25741868, with internal and published modifications).

PXE International
Classification: Likely benign for Autosomal recessive inherited pseudoxanthoma elasticum. Last evaluated: 2021-03-01. Review status: no assertion criteria provided. Collection method: research. Allele origin: germline. Inheritance: Autosomal recessive inheritance. Affected: yes. Not counted in ClinVar's aggregate classification.

Literature cited by the submitters: PubMed 16086317 (cited by PXE International).